The following is an entry in ClinVar:

ClinVar aggregate classification (germline): Uncertain significance (1 of 4 stars; one submission).

gnomAD v4.1: 36 of 1,613,940 alleles (0.0022%); highest among the groups gnomAD compares: Admixed American, 0.022%; 1 homozygote.

Submission:

Labcorp Genetics (formerly Invitae), Labcorp
Classification: Uncertain significance. Last evaluated: 2024-07-02. Review status: criteria provided, single submitter. Criteria: Invitae Variant Classification Sherloc (09022015). Collection method: clinical testing. Allele origin: germline.
Comment: This sequence change falls in intron 5 of the INSR gene. It does not directly change the encoded amino acid sequence of the INSR protein. It affects a nucleotide within the consensus splice site. This variant is present in population databases (rs185806326, gnomAD 0.02%), including at least one homozygous and/or hemizygous individual. This variant has not been reported in the literature in individuals affected with INSR-related conditions. Variants that disrupt the consensus splice site are a relatively common cause of aberrant splicing (PMID: 17576681, 9536098). Algorithms developed to predict the effect of sequence changes on RNA splicing suggest that this variant is not likely to affect RNA splicing. In summary, the available evidence is currently insufficient to determine the role of this variant in disease. Therefore, it has been classified as a Variant of Uncertain Significance.

Literature cited by the submitters: PubMed 17576681; PubMed 9536098.

NM_000208.4(INSR):c.1268+4C>T

Gene: INSR (insulin receptor; minus strand). Cytogenetic location: 19p13.2.
Variant type: single nucleotide variant.
Coding change: c.1268+4C>T on transcript NM_000208.4 (MANE Select); 4 bases into the intron after coding-DNA position 1268, C replaced by T.
Molecular consequence: intron variant.
Genome position (GRCh38, 1-based): chr19:7,172,286, G>A on the plus strand (C>T on the coding strand, the complement: INSR is on the minus strand). VCF-style: chr19-7172286-G-A. GRCh37 (hg19) VCF-style: chr19-7172297-G-A.
Other names: c.1268+4C>T (NM_001079817.3).
Identifiers: ClinVar variation 3708014 (VCV003708014.2).
Genomic context (GRCh38, chr19:7,172,286, plus strand): 5'-GTTGTTCTAATACACGAACTTCCTAGTTAGCACTCAGGCCATACACACAATCAGGCCCAC[G>A]TACCCAATTTCCAAGGTCTCTCCTCGAATCAGACGTAACTTCCGGAAGAAGGAAAGTGAC-3'